The following is an entry in ClinVar:

NM_002900.3(RBP3):c.2619C>T (p.Ala873=)

Gene: RBP3 (retinol binding protein 3; plus strand). Cytogenetic location: 10q11.22.
Variant type: single nucleotide variant.
Coding change: c.2619C>T on transcript NM_002900.3 (MANE Select); coding-DNA position 2619, C replaced by T.
Protein change: p.Ala873=; no amino-acid change (alanine 873 retained).
Molecular consequence: synonymous variant.
Genome position (GRCh38, 1-based): chr10:47,351,103, C>T. VCF-style: chr10-47351103-C-T. GRCh37 (hg19) VCF-style: chr10-48388259-G-A.
Identifiers: ClinVar variation 299960 (VCV000299960.43), dbSNP rs146045906, ClinGen allele CA5487234.

ClinVar aggregate classification (germline): Conflicting classifications of pathogenicity. Review status: criteria provided, conflicting classifications (1 of 4 stars). 6 submissions from 6 submitters: Uncertain significance (1); Benign (1); Likely benign (2). 2 of the submissions do not count toward it. Last evaluated 2026-01-24.

Conditions:
Retinitis pigmentosa (RP). Identifiers: Orphanet 791, MedGen C0035334, MeSH D012174, MONDO:0019200, OMIM 268000. Inheritance: Autosomal dominant, autosomal recessive and X linked inheritance.

Allele frequency attached by ClinVar (database versions not stated): ESP Exome Variant Server 0.00069; TOPMed 0.00111; gnomAD 0.00113 and 0.00120; gnomAD exomes 0.00114 and 0.00148; ExAC 0.00132.
gnomAD v4.1: 2,286 of 1,612,664 alleles (0.14%); highest among the groups gnomAD compares: Middle Eastern, 0.4%; 5 homozygotes.

Submissions (6):

Labcorp Genetics (formerly Invitae), Labcorp
Classification: Benign. Last evaluated: 2026-01-24. Review status: criteria provided, single submitter. Criteria: Invitae Variant Classification Sherloc (09022015). Collection method: clinical testing. Allele origin: germline.

Blueprint Genetics
Classification: Likely benign. Last evaluated: 2024-11-20. Review status: criteria provided, single submitter. Criteria: ACMG Guidelines, 2015. Collection method: clinical testing. Allele origin: germline.

CeGaT Center for Human Genetics Tuebingen
Classification: Likely benign. Last evaluated: 2023-02-01. Review status: criteria provided, single submitter. Criteria: CeGaT Center For Human Genetics Tuebingen Variant Classification Criteria Version 2. Collection method: clinical testing. Allele origin: germline. Affected: yes. Observed: 1 variant allele.
Comment: RBP3: BP4, BP7

Illumina Laboratory Services, Illumina
Classification: Uncertain significance for Retinitis pigmentosa. Last evaluated: 2018-01-13. Review status: criteria provided, single submitter. Criteria: ICSL Variant Classification Criteria 13 December 2019. Collection method: clinical testing. Allele origin: germline.

Clinical Genetics DNA and cytogenetics Diagnostics Lab, Erasmus MC, Erasmus Medical Center
Classification: Likely benign. Review status: no assertion criteria provided. Collection method: clinical testing. Allele origin: germline. Affected: yes. Study: VKGL Data-share Consensus. Not counted in ClinVar's aggregate classification.

Clinical Genetics, Academic Medical Center
Classification: Benign. Review status: no assertion criteria provided. Collection method: clinical testing. Allele origin: germline. Affected: yes. Study: VKGL Data-share Consensus. Not counted in ClinVar's aggregate classification.